The following is an entry in ClinVar:

NM_018979.4(WNK1):c.3325C>A (p.Arg1109Ser)

Gene: WNK1 (WNK lysine deficient protein kinase 1; plus strand). Cytogenetic location: 12p13.33.
Variant type: single nucleotide variant.
Coding change: c.3325C>A on transcript NM_018979.4 (MANE Select); coding-DNA position 3325, C replaced by A.
Protein change: p.Arg1109Ser; replaces arginine 1109 with serine.
Molecular consequence: missense variant.
Genome position (GRCh38, 1-based): chr12:882,026, C>A. VCF-style: chr12-882026-C-A. GRCh37 (hg19) VCF-style: chr12-991192-C-A.
Other names: c.4105C>A, p.Arg1369Ser (NM_001184985.2); c.2584C>A, p.Arg862Ser (NM_014823.3); c.4081C>A, p.Arg1361Ser (NM_213655.5); short protein forms R1109S, R1369S, R862S, R1361S.
Identifiers: ClinVar variation 834412 (VCV000834412.9), dbSNP rs1309903063, ClinGen allele CA383328260.

ClinVar aggregate classification (germline): Uncertain significance (1 of 4 stars; one submission).

Conditions:
Pseudohypoaldosteronism type 2C (PHA2C). Also called: Pseudohypoaldosteronism Type IIC. Identifiers: Orphanet 757, Orphanet 88940, MedGen C1840391, MONDO:0013778, OMIM 614492.
Neuropathy, hereditary sensory and autonomic, type 2A (HSAN2A). Also called: MORVAN DISEASE; NEUROPATHY, CONGENITAL SENSORY; NEUROPATHY, HEREDITARY SENSORY RADICULAR, AUTOSOMAL RECESSIVE; NEUROPATHY, HEREDITARY SENSORY, TYPE IIA; NEUROPATHY, PROGRESSIVE SENSORY, OF CHILDREN; WNK1-Related HSAN2 (HSAN2A). Identifiers: Orphanet 970, MedGen C2752089, MONDO:0024309, OMIM 201300.

gnomAD v4.1: 1 of 1,613,998 alleles (0.000062%); highest among the groups gnomAD compares: African/African-American, 0.0013%; no homozygotes.

Submission:

Labcorp Genetics (formerly Invitae), Labcorp
Classification: Uncertain significance for Neuropathy, hereditary sensory and autonomic, type 2A; Pseudohypoaldosteronism type 2C. Last evaluated: 2019-02-05. Review status: criteria provided, single submitter. Criteria: Invitae Variant Classification Sherloc (09022015). Collection method: clinical testing. Allele origin: germline.
Comment: In summary, the available evidence is currently insufficient to determine the role of this variant in disease. Therefore, it has been classified as a Variant of Uncertain Significance. Algorithms developed to predict the effect of missense changes on protein structure and function (SIFT, PolyPhen-2, Align-GVGD) all suggest that this variant is likely to be disruptive, but these predictions have not been confirmed by published functional studies and their clinical significance is uncertain. This variant has not been reported in the literature in individuals with WNK1-related conditions. This variant is not present in population databases (ExAC no frequency). This sequence change replaces arginine with serine at codon 1361 of the WNK1 protein (p.Arg1361Ser). The arginine residue is highly conserved and there is a moderate physicochemical difference between arginine and serine.